The following is an entry in ClinVar:

NM_001399.5(EDA):c.1166C>T (p.Pro389Leu)

Gene: EDA (ectodysplasin A; plus strand). Cytogenetic location: Xq13.1.
Variant type: single nucleotide variant.
Coding change: c.1166C>T on transcript NM_001399.5 (MANE Select); coding-DNA position 1166, C replaced by T.
Protein change: p.Pro389Leu; replaces proline 389 with leucine.
Molecular consequence: missense variant.
Genome position (GRCh38, 1-based): chrX:70,035,599, C>T. VCF-style: chrX-70035599-C-T. GRCh37 (hg19) VCF-style: chrX-69255449-C-T.
Other names: c.1160C>T, p.Pro387Leu (NM_001005609.2); c.1151C>T, p.Pro384Leu (NM_001005612.3); short protein forms P384L, P387L, P389L.
Identifiers: ClinVar variation 3068965 (VCV003068965.1), dbSNP rs2520347454, ClinGen allele CA413450561.

ClinVar aggregate classification (germline): Uncertain significance (1 of 4 stars; one submission).

Submission:

Women's Health and Genetics/Laboratory Corporation of America, LabCorp
Classification: Uncertain significance. Last evaluated: 2024-02-19. Review status: criteria provided, single submitter. Criteria: LabCorp Variant Classification Summary - May 2015. Collection method: clinical testing. Allele origin: germline.
Comment: Variant summary: EDA c.1166C>T (p.Pro389Leu) results in a non-conservative amino acid change in the encoded protein sequence. Five of five in-silico tools predict a damaging effect of the variant on protein function. The variant was absent in 180990 control chromosomes (gnomAD). The available data on variant occurrences in the general population are insufficient to allow any conclusion about variant significance. c.1166C>T has been reported in the literature in at least one individual affected with non-syndromic tooth agenesis (He_2016). This report does not provide unequivocal conclusions about association of the variant with Hypohidrotic Ectodermal Dysplasia. To our knowledge, no experimental evidence demonstrating an impact on protein function has been reported. The following publications have been ascertained in the context of this evaluation (PMID: 27538153, 36765055). No submitters have cited clinical-significance assessments for this variant to ClinVar. Based on the evidence outlined above, the variant was classified as uncertain significance.

Literature cited by the submitters: PubMed 27538153; PubMed 36765055.